The following is an entry in ClinVar:

ClinVar aggregate classification (germline): Uncertain significance (1 of 4 stars; one submission).

Conditions:
Inborn genetic diseases. Identifiers: MedGen C0950123, MeSH D030342.

Allele frequency attached by ClinVar (database versions not stated): gnomAD exomes below 0.00001; TOPMed 0.00001.
gnomAD v4.1: 1 of 1,613,942 alleles (0.000062%); highest among the groups gnomAD compares: East Asian, 0.0022%; no homozygotes.

Submission:

Ambry Genetics
Classification: Uncertain significance for Inborn genetic diseases. Last evaluated: 2024-06-17. Review status: criteria provided, single submitter. Criteria: Ambry Variant Classification Scheme 2023. Collection method: clinical testing. Allele origin: germline.
Comment: The p.S1001R variant (also known as c.3003C>A), located in coding exon 23 of the LRRK2 gene, results from a C to A substitution at nucleotide position 3003. The serine at codon 1001 is replaced by arginine, an amino acid with dissimilar properties. This amino acid position is conserved. In addition, this alteration is predicted to be tolerated by in silico analysis. Since supporting evidence is limited at this time, the clinical significance of this alteration remains unclear.

NM_198578.4(LRRK2):c.3003C>A (p.Ser1001Arg)

Gene: LRRK2 (leucine rich repeat kinase 2; plus strand). Cytogenetic location: 12q12.
Variant type: single nucleotide variant.
Coding change: c.3003C>A on transcript NM_198578.4 (MANE Select); coding-DNA position 3003, C replaced by A.
Protein change: p.Ser1001Arg; replaces serine 1001 with arginine.
Molecular consequence: missense variant.
Genome position (GRCh38, 1-based): chr12:40,295,551, C>A. VCF-style: chr12-40295551-C-A. GRCh37 (hg19) VCF-style: chr12-40689353-C-A.
Other names: short protein forms S1001R.
Identifiers: ClinVar variation 1798716 (VCV001798716.3), dbSNP rs1164210276, ClinGen allele CA384412797.